The following is an entry in ClinVar:

NM_001276270.2(MBD4):c.748T>G (p.Cys250Gly)

Gene: MBD4 (methyl-CpG binding domain 4, DNA glycosylase; minus strand). Cytogenetic location: 3q21.3.
Variant type: single nucleotide variant.
Coding change: c.748T>G on transcript NM_001276270.2 (MANE Select); coding-DNA position 748, T replaced by G.
Protein change: p.Cys250Gly; replaces cysteine 250 with glycine.
Molecular consequence: missense variant. On other transcripts: intron variant (1).
Genome position (GRCh38, 1-based): chr3:129,436,896, A>C on the plus strand (T>G on the coding strand, the complement: MBD4 is on the minus strand). VCF-style: chr3-129436896-A-C. GRCh37 (hg19) VCF-style: chr3-129155739-A-C.
Other names: c.748T>G, p.Cys250Gly (NM_001276272.2, NM_003925.3, NM_001276271.2); c.247+912T>G (NM_001276273.2); short protein forms C250G.
Identifiers: ClinVar variation 2854460 (VCV002854460.3), dbSNP rs2530721095, ClinGen allele CA354467344.

ClinVar aggregate classification (germline): Uncertain significance (1 of 4 stars; one submission).

Submission:

Labcorp Genetics (formerly Invitae), Labcorp
Classification: Uncertain significance. Last evaluated: 2024-01-17. Review status: criteria provided, single submitter. Criteria: Invitae Variant Classification Sherloc (09022015). Collection method: clinical testing. Allele origin: germline.
Comment: This sequence change replaces cysteine, which is neutral and slightly polar, with glycine, which is neutral and non-polar, at codon 250 of the MBD4 protein (p.Cys250Gly). This variant is not present in population databases (gnomAD no frequency). This variant has not been reported in the literature in individuals affected with MBD4-related conditions. An algorithm developed to predict the effect of missense changes on protein structure and function (PolyPhen-2) suggests that this variant is likely to be tolerated. In summary, the available evidence is currently insufficient to determine the role of this variant in disease. Therefore, it has been classified as a Variant of Uncertain Significance.